The following is an entry in ClinVar:

NM_001854.4(COL11A1):c.4495C>T (p.Pro1499Ser)

Gene: COL11A1 (collagen type XI alpha 1 chain; minus strand). Cytogenetic location: 1p21.1.
Variant type: single nucleotide variant.
Coding change: c.4495C>T on transcript NM_001854.4 (MANE Select); coding-DNA position 4495, C replaced by T.
Protein change: p.Pro1499Ser; replaces proline 1499 with serine.
Molecular consequence: missense variant. On other transcripts: non-coding transcript variant (1).
Genome position (GRCh38, 1-based): chr1:102,888,889, G>A on the plus strand (C>T on the coding strand, the complement: COL11A1 is on the minus strand). VCF-style: chr1-102888889-G-A. GRCh37 (hg19) VCF-style: chr1-103354445-G-A.
Other names: c.4378C>T, p.Pro1460Ser (NM_001190709.2); c.4531C>T, p.Pro1511Ser (NM_080629.3); c.4147C>T, p.Pro1383Ser (NM_080630.4); short protein forms P1511S, P1499S, P1383S, P1460S.
Identifiers: ClinVar variation 291500 (VCV000291500.18), dbSNP rs199952288, ClinGen allele CA973507.
Genomic context (GRCh38, chr1:102,888,889, plus strand): 5'-AACCCTACCTTATAAGGTTATTTTGTCTTGTACTTACTGGTAAACCTGGAGGACCAGGTG[G>A]ACCTAAGGGACCAGCAGGACCAGGAATTCCCTAGAGAGAGAATCAGCCAATTTAAAGGGA-3'
Protein context (NP_001845.3, residues 1489-1509): GIPGPAGPLG[Pro1499Ser]PGPPGLPGPQ

ClinVar aggregate classification (germline): Conflicting classifications of pathogenicity. Review status: criteria provided, conflicting classifications (1 of 4 stars). 5 submissions from 4 submitters: Uncertain significance (3); Benign (1). 1 of the submissions does not count toward it. Last evaluated 2025-09-16.

Conditions:
COL11A1-related disorder. Also called: COL11A1-related disorders; COL11A1-related condition.
Fibrochondrogenesis 1 (FBCG1). Identifiers: Orphanet 2021, MedGen C3278138, MONDO:0009226, OMIM 228520.
Stickler syndrome type 2 (STL2). Also called: STICKLER SYNDROME, TYPE II; STICKLER SYNDROME, BEADED VITREOUS TYPE; STICKLER SYNDROME, VITREOUS TYPE 2; COL11A1-Related Stickler Syndrome. Identifiers: Orphanet 828, Orphanet 90654, MedGen C1858084, MONDO:0011493, OMIM 604841.

Allele frequency attached by ClinVar (database versions not stated): gnomAD exomes 0.00005 and 0.00018; gnomAD 0.00007; ExAC 0.00010; TOPMed 0.00012; 1000 Genomes Project 30x 0.00016; 1000 Genomes Project 0.00020.
gnomAD v4.1: 82 of 1,612,614 alleles (0.0051%); highest among the groups gnomAD compares: East Asian, 0.17%; 1 homozygote.

Submissions (5):

Labcorp Genetics (formerly Invitae), Labcorp
Classification: Benign. Last evaluated: 2025-09-16. Review status: criteria provided, single submitter. Criteria: Invitae Variant Classification Sherloc (09022015). Collection method: clinical testing. Allele origin: germline.

GeneDx
Classification: Uncertain significance. Last evaluated: 2022-05-04. Review status: criteria provided, single submitter. Criteria: GeneDx Variant Classification Process June 2021. Collection method: clinical testing. Allele origin: germline. Affected: yes.
Comment: In silico analysis supports that this missense variant has a deleterious effect on protein structure/function; Has not been previously published as pathogenic or benign to our knowledge

Illumina Laboratory Services, Illumina
Classification: Uncertain significance for Stickler syndrome type 2. Last evaluated: 2018-01-12. Review status: criteria provided, single submitter. Criteria: ICSL Variant Classification Criteria 13 December 2019. Collection method: clinical testing. Allele origin: germline.

Illumina Laboratory Services, Illumina
Classification: Uncertain significance for Fibrochondrogenesis 1. Last evaluated: 2018-01-12. Review status: criteria provided, single submitter. Criteria: ICSL Variant Classification Criteria 13 December 2019. Collection method: clinical testing. Allele origin: germline.

PreventionGenetics, part of Exact Sciences
Classification: Likely benign for COL11A1-related condition. Last evaluated: 2022-08-25. Review status: no assertion criteria provided. Collection method: clinical testing. Allele origin: germline. Not counted in ClinVar's aggregate classification.
Comment: This variant is classified as likely benign based on ACMG/AMP sequence variant interpretation guidelines (Richards et al. 2015 PMID: 25741868, with internal and published modifications).